The following is an entry in ClinVar:

ClinVar aggregate classification (germline): Uncertain significance (1 of 4 stars; one submission).

Allele frequency attached by ClinVar (database versions not stated): gnomAD exomes below 0.00001; TOPMed below 0.00001; gnomAD 0.00001.

Submission:

Labcorp Genetics (formerly Invitae), Labcorp
Classification: Uncertain significance. Last evaluated: 2022-04-25. Review status: criteria provided, single submitter. Criteria: Invitae Variant Classification Sherloc (09022015). Collection method: clinical testing. Allele origin: germline.
Comment: In summary, the available evidence is currently insufficient to determine the role of this variant in disease. Therefore, it has been classified as a Variant of Uncertain Significance. Algorithms developed to predict the effect of missense changes on protein structure and function output the following: SIFT: "Deleterious"; PolyPhen-2: "Benign"; Align-GVGD: "Class C0". The histidine amino acid residue is found in multiple mammalian species, which suggests that this missense change does not adversely affect protein function. This variant has not been reported in the literature in individuals affected with LIG1-related conditions. This variant is not present in population databases (gnomAD no frequency). This sequence change replaces glutamine, which is neutral and polar, with histidine, which is basic and polar, at codon 907 of the LIG1 protein (p.Gln907His).

NM_000234.3(LIG1):c.2721A>C (p.Gln907His)

Gene: LIG1 (DNA ligase 1; minus strand). Cytogenetic location: 19q13.33.
Variant type: single nucleotide variant.
Coding change: c.2721A>C on transcript NM_000234.3 (MANE Select); coding-DNA position 2721, A replaced by C.
Protein change: p.Gln907His; replaces glutamine 907 with histidine.
Molecular consequence: missense variant. On other transcripts: non-coding transcript variant (6).
Genome position (GRCh38, 1-based): chr19:48,115,688, T>G on the plus strand (A>C on the coding strand, the complement: LIG1 is on the minus strand). VCF-style: chr19-48115688-T-G. GRCh37 (hg19) VCF-style: chr19-48618945-T-G.
Other names: c.2628A>C, p.Gln876His (NM_001289063.2); c.2517A>C, p.Gln839His (NM_001289064.2); c.2718A>C, p.Gln906His (NM_001320970.2); c.2631A>C, p.Gln877His (NM_001320971.2); short protein forms Q839H, Q907H, Q906H, Q876H, Q877H.
Identifiers: ClinVar variation 1375757 (VCV001375757.6), dbSNP rs1447084356, ClinGen allele CA406641421.
Genomic context (GRCh38, chr19:48,115,688, plus strand): 5'-AGGCCCTAGGAGGGCGAGGGCTTAGTAGGTATCTTCAGGGTCAGAGCCTGAGTCCTCGCC[T>G]TGTTGGTTCTGAATCTGACTTTGCTTCCGGTACAAACAGGCCACCTGCGGAGAGAGGGTG-3'
Protein context (NP_000225.1, residues 897-917): YRKQSQIQNQ[Gln907His]GEDSGSDPED